The following is an entry in ClinVar:

ClinVar aggregate classification (germline): Uncertain significance (1 of 4 stars; one submission).

Conditions:
RASopathy. Also called: rasopathies; Noonan spectrum disorder. Identifiers: Orphanet 536391, MedGen C5555857, MONDO:0021060.

gnomAD v4.1: 23 of 1,611,614 alleles (0.0014%); highest among the groups gnomAD compares: Non-Finnish European, 0.0019%; no homozygotes.

Submission:

Labcorp Genetics (formerly Invitae), Labcorp
Classification: Uncertain significance for RASopathy. Last evaluated: 2024-03-02. Review status: criteria provided, single submitter. Criteria: Invitae Variant Classification Sherloc (09022015). Collection method: clinical testing. Allele origin: germline.
Comment: This sequence change replaces tyrosine, which is neutral and polar, with asparagine, which is neutral and polar, at codon 510 of the SOS1 protein (p.Tyr510Asn). This variant is present in population databases (rs201404055, gnomAD 0.002%). This variant has not been reported in the literature in individuals affected with SOS1-related conditions. Advanced modeling of protein sequence and biophysical properties (such as structural, functional, and spatial information, amino acid conservation, physicochemical variation, residue mobility, and thermodynamic stability) has been performed at Invitae for this missense variant, however the output from this modeling did not meet the statistical confidence thresholds required to predict the impact of this variant on SOS1 protein function. In summary, the available evidence is currently insufficient to determine the role of this variant in disease. Therefore, it has been classified as a Variant of Uncertain Significance.

NM_005633.4(SOS1):c.1528T>A (p.Tyr510Asn)

Gene: SOS1 (SOS Ras/Rac guanine nucleotide exchange factor 1; minus strand). Cytogenetic location: 2p22.1.
Variant type: single nucleotide variant.
Coding change: c.1528T>A on transcript NM_005633.4 (MANE Select); coding-DNA position 1528, T replaced by A.
Protein change: p.Tyr510Asn; replaces tyrosine 510 with asparagine.
Molecular consequence: missense variant.
Genome position (GRCh38, 1-based): chr2:39,022,900, A>T on the plus strand (T>A on the coding strand, the complement: SOS1 is on the minus strand). VCF-style: chr2-39022900-A-T. GRCh37 (hg19) VCF-style: chr2-39250041-A-T.
Other names: c.1507T>A, p.Tyr503Asn (NM_001382394.1); c.1528T>A, p.Tyr510Asn (NM_001382395.1); short protein forms Y510N, Y503N.
Identifiers: ClinVar variation 3658327 (VCV003658327.2).